The following is an entry in ClinVar:

GRCh37/hg19 5p15.33-13.2(chr5:113577-35613146)x1

Genes: ADAMTS12 (ADAM metallopeptidase with thrombospondin type 1 motif 12; minus strand), ADAMTS16 (ADAM metallopeptidase with thrombospondin type 1 motif 16; plus strand), ADCY2 (adenylate cyclase 2; plus strand), AGXT2 (alanine--glyoxylate aminotransferase 2; minus strand), AHRR (aryl hydrocarbon receptor repressor; plus strand) and 86 more. Cytogenetic location: 5p15.33-13.2.
Variant type: copy number loss.
Change: copy number 1 (one copy instead of two) of chr5:113,577-35,613,146 (35.50 Mb, GRCh37 coordinates, 1-based), cytogenetic band 5p15.33-13.2.
Identifiers: ClinVar variation 2685139 (VCV002685139.1).

ClinVar aggregate classification (germline): Pathogenic (1 of 4 stars; one submission).

Submission:

Quest Diagnostics Nichols Institute San Juan Capistrano
Classification: Pathogenic. Last evaluated: 2023-07-26. Review status: criteria provided, single submitter. Criteria: ACMG/ClinGen CNV Guidelines, 2019. Collection method: clinical testing. Allele origin: unknown.
Comment: This terminal deletion of 5p contains the region associated with Cri-du-chat syndrome (ISCA-37390; OMIM 123450; Ajitkumar et al., StatPearls. [2022 Oct 25]. PMID: 29494067, Zhang et al., Am J Hum Genet. 2005 Feb;76(2):312-26. PMID: 15635506). Thus, this CNV is classified as pathogenic.